The following is an entry in ClinVar:

NM_003235.5(TG):c.1495C>T (p.Gln499Ter)

Gene: TG (thyroglobulin; plus strand). Cytogenetic location: 8q24.22.
Variant type: single nucleotide variant.
Coding change: c.1495C>T on transcript NM_003235.5 (MANE Select); coding-DNA position 1495, C replaced by T.
Protein change: p.Gln499Ter; replaces glutamine 499 with a stop codon.
Molecular consequence: nonsense.
Genome position (GRCh38, 1-based): chr8:132,886,867, C>T. VCF-style: chr8-132886867-C-T. GRCh37 (hg19) VCF-style: chr8-133899112-C-T.
Other names: short protein forms Q499*.
Identifiers: ClinVar variation 2769292 (VCV002769292.3), dbSNP rs1815496874, ClinGen allele CA372230688.
Genomic context (GRCh38, chr8:132,886,867, plus strand): 5'-AATGTTGGCCAGTTTAACTTGTCTGGAGCCCTTGGCACAAGAGGCACATTTAACTTCAGT[C>T]AATTTTTCCAGCAACTTGGTCTTGCAAGCTTCTTGAATGGAGGGAGACAAGAAGATTTGG-3'

ClinVar aggregate classification (germline): Pathogenic (1 of 4 stars; one submission).

Submission:

Labcorp Genetics (formerly Invitae), Labcorp
Classification: Pathogenic. Last evaluated: 2023-10-17. Review status: criteria provided, single submitter. Criteria: Invitae Variant Classification Sherloc (09022015). Collection method: clinical testing. Allele origin: germline.
Comment: This sequence change creates a premature translational stop signal (p.Gln499*) in the TG gene. It is expected to result in an absent or disrupted protein product. Loss-of-function variants in TG are known to be pathogenic (PMID: 19837936, 23164529). This variant is not present in population databases (gnomAD no frequency). This variant has not been reported in the literature in individuals affected with TG-related conditions. For these reasons, this variant has been classified as Pathogenic.

Literature cited by the submitters: PubMed 19837936; PubMed 23164529.